The following is an entry in ClinVar:

ClinVar aggregate classification (germline): Conflicting classifications of pathogenicity. Review status: criteria provided, conflicting classifications (1 of 4 stars). 2 submissions from 2 submitters: Uncertain significance (1); Likely benign (1). Last evaluated 2026-09-11.

Conditions:
Familial hypobetalipoproteinemia 1. Also called: Hypobetalipoproteinemia, normotriglyceridemic; Acanthocytosis with hypobetalipoproteinemia; APOB-Related Familial Hypobetalipoproteinemia. Identifiers: MedGen C4551990, MONDO:0014252, OMIM 615558.
Hypercholesterolemia, autosomal dominant, type B (FHCL2). Also called: Familial Hypercholesterolemia Type B; APOLIPOPROTEIN B-100, FAMILIAL DEFECTIVE; APOLIPOPROTEIN B-100, FAMILIAL LIGAND-DEFECTIVE; HYPERCHOLESTEROLEMIA, FAMILIAL, DUE TO LIGAND-DEFECTIVE APOLIPOPROTEIN B; Hyperlipoproteinemia Type IIb; Familial hypercholesterolemia 2. Identifiers: MedGen C1704417, MONDO:0007751, OMIM 144010.
Cardiovascular phenotype. Identifiers: MedGen CN230736.

gnomAD v4.1: 3 of 1,613,108 alleles (0.00019%); highest among the groups gnomAD compares: African/African-American, 0.004%; no homozygotes.

Submissions (2):

Ambry Genetics
Classification: Uncertain significance for Cardiovascular phenotype. Last evaluated: 2026-09-11. Review status: criteria provided, single submitter. Criteria: Ambry Variant Classification Scheme 2023. Collection method: clinical testing. Allele origin: germline.
Comment: The p.T3352A variant (also known as c.10054A>G), located in coding exon 26 of the APOB gene, results from an A to G substitution at nucleotide position 10054. The threonine at codon 3352 is replaced by alanine, an amino acid with similar properties. This amino acid position is conserved. In addition, this alteration is predicted to be tolerated by in silico analysis. Based on the available evidence, the clinical significance of this variant remains unclear.

Labcorp Genetics (formerly Invitae), Labcorp
Classification: Likely benign for Familial hypobetalipoproteinemia 1; Hypercholesterolemia, autosomal dominant, type B. Last evaluated: 2025-10-22. Review status: criteria provided, single submitter. Criteria: Invitae Variant Classification Sherloc (09022015). Collection method: clinical testing. Allele origin: germline.

NM_000384.3(APOB):c.10054A>G (p.Thr3352Ala)

Gene: APOB (apolipoprotein B; minus strand). Cytogenetic location: 2p24.1.
Variant type: single nucleotide variant.
Coding change: c.10054A>G on transcript NM_000384.3 (MANE Select); coding-DNA position 10054, A replaced by G.
Protein change: p.Thr3352Ala; replaces threonine 3352 with alanine.
Molecular consequence: missense variant.
Genome position (GRCh38, 1-based): chr2:21,006,814, T>C on the plus strand (A>G on the coding strand, the complement: APOB is on the minus strand). VCF-style: chr2-21006814-T-C. GRCh37 (hg19) VCF-style: chr2-21229686-T-C.
Other names: c.10054A>G (NM_000384.2); short protein forms T3352A.
Identifiers: ClinVar variation 4788578 (VCV004788578.3).